The following is an entry in ClinVar:

ClinVar aggregate classification (germline): Pathogenic (1 of 4 stars; one submission).

Submission:

Labcorp Genetics (formerly Invitae), Labcorp
Classification: Pathogenic. Last evaluated: 2025-09-10. Review status: criteria provided, single submitter. Criteria: Invitae Variant Classification Sherloc (09022015). Collection method: clinical testing. Allele origin: germline.
Comment: This sequence change creates a premature translational stop signal (p.Tyr144*) in the DEF6 gene. It is expected to result in an absent or disrupted protein product. Loss-of-function variants in DEF6 are known to be pathogenic (PMID: 16470246, 32562707). This variant is not present in population databases (gnomAD no frequency). This variant has not been reported in the literature in individuals affected with DEF6-related conditions. ClinVar contains an entry for this variant (Variation ID: 3684877). For these reasons, this variant has been classified as Pathogenic.

Literature cited by the submitters: PubMed 16470246; PubMed 32562707.

NM_022047.4(DEF6):c.432C>G (p.Tyr144Ter)

Gene: DEF6 (DEF6 guanine nucleotide exchange factor; plus strand). Cytogenetic location: 6p21.31.
Variant type: single nucleotide variant.
Coding change: c.432C>G on transcript NM_022047.4 (MANE Select); coding-DNA position 432, C replaced by G.
Protein change: p.Tyr144Ter; replaces tyrosine 144 with a stop codon.
Molecular consequence: nonsense.
Genome position (GRCh38, 1-based): chr6:35,312,310, C>G. VCF-style: chr6-35312310-C-G. GRCh37 (hg19) VCF-style: chr6-35280087-C-G.
Other names: short protein forms Y144*.
Identifiers: ClinVar variation 3684877 (VCV003684877.2).